The following is an entry in ClinVar:

NM_000277.3(PAH):c.1066-2A>G

Gene: PAH (phenylalanine hydroxylase; minus strand). Cytogenetic location: 12q23.2.
Variant type: single nucleotide variant.
Coding change: c.1066-2A>G on transcript NM_000277.3 (MANE Select); the canonical splice acceptor site of the intron before coding-DNA position 1066, A replaced by G.
Molecular consequence: splice acceptor variant.
Genome position (GRCh38, 1-based): chr12:102,843,781, T>C on the plus strand (A>G on the coding strand, the complement: PAH is on the minus strand). VCF-style: chr12-102843781-T-C. GRCh37 (hg19) VCF-style: chr12-103237559-T-C.
Other names: c.1066-2A>G (NM_001354304.2).
Identifiers: ClinVar variation 4818085 (VCV004818085.2).

ClinVar aggregate classification (germline): Pathogenic/Likely pathogenic. Review status: criteria provided, multiple submitters, no conflicts (2 of 4 stars). 2 submissions from 2 submitters: Pathogenic (1); Likely pathogenic (1). Last evaluated 2024-11-19.

Conditions:
Phenylketonuria (PKU). Also called: FOLLING DISEASE; Phenylketonuria (PKU); OLIGOPHRENIA PHENYLPYRUVICA; Phenylketonurias. Identifiers: Orphanet 716, MedGen C0031485, MONDO:0009861, OMIM 261600. Disease mechanism: loss of function.

gnomAD v4.1: 2 of 1,613,666 alleles (0.00012%); highest among the groups gnomAD compares: Non-Finnish European, 0.00017%; no homozygotes.

Submissions (2):

Natera, Inc.
Classification: Pathogenic for Phenylketonuria. Last evaluated: 2024-11-19. Review status: criteria provided, single submitter. Criteria: Natera Variant Classification Schema (03/2026). Collection method: clinical testing. Allele origin: germline.
Comment: The c.1066-2A>G variant in PAH is a canonical splice acceptor site variant predicted to affect pre-mRNA splicing, which may result in an abnormal transcript and altered protein product. This variant is expected to result in nonsense mediated decay, truncation, or a dysfunctional protein product. This variant is rare in the general population with a frequency below the threshold expected for the associated phenotype(s). This variant has been observed in one or more individuals affected with the associated recessive disease, as either homozygous or compound heterozygous with a second variant (PMID: 38706300). Another variant at this same site results in an alteration predicted to cause a similar molecular effect has been observed in individual(s) with the associated phenotype. Given the available evidence, this variant is classified as Pathogenic.

Kariminejad - Najmabadi Pathology & Genetics Center
Classification: Likely pathogenic for Phenylketonuria. Review status: criteria provided, single submitter. Criteria: ACMG Guidelines, 2015. Collection method: clinical testing. Allele origin: germline. Affected: no.

Literature cited by the submitters: PubMed 38706300 (cited by Natera, Inc.).